The following is an entry in ClinVar:

NM_001379500.1(COL18A1):c.3480C>T (p.Arg1160=)

Genes: COL18A1 (collagen type XVIII alpha 1 chain; plus strand), SLC19A1 (solute carrier family 19 member 1; minus strand). Cytogenetic location: 21q22.3.
Variant type: single nucleotide variant.
Coding change: c.3480C>T on transcript NM_001379500.1 (MANE Select); coding-DNA position 3480, C replaced by T.
Protein change: p.Arg1160=; no amino-acid change (arginine 1160 retained).
Molecular consequence: synonymous variant.
Genome position (GRCh38, 1-based): chr21:45,509,586, C>T. VCF-style: chr21-45509586-C-T. GRCh37 (hg19) VCF-style: chr21-46929500-C-T.
Other names: c.4011C>T, p.Arg1337= (NM_030582.4); c.4716C>T, p.Arg1572= (NM_130444.3).
Identifiers: ClinVar variation 1114794 (VCV001114794.26), dbSNP rs370921955, ClinGen allele CA10067902.

ClinVar aggregate classification (germline): Likely benign. Review status: criteria provided, multiple submitters, no conflicts (2 of 4 stars). 5 submissions from 5 submitters: Likely benign (3). 2 of the submissions do not count toward it. Last evaluated 2026-01-11.

Allele frequency attached by ClinVar (database versions not stated): gnomAD 0.00059 and 0.00058; ESP Exome Variant Server 0.00020; ExAC 0.00032; TOPMed 0.00036; gnomAD exomes 0.00040 and 0.00048.
gnomAD v4.1: 727 of 1,512,602 alleles (0.048%); highest among the groups gnomAD compares: Non-Finnish European, 0.055%; no homozygotes.

Submissions (5):

Labcorp Genetics (formerly Invitae), Labcorp
Classification: Likely benign. Last evaluated: 2026-01-11. Review status: criteria provided, single submitter. Criteria: Invitae Variant Classification Sherloc (09022015). Collection method: clinical testing. Allele origin: germline.

CeGaT Center for Human Genetics Tuebingen
Classification: Likely benign. Last evaluated: 2026-01-01. Review status: criteria provided, single submitter. Criteria: CeGaT Center For Human Genetics Tuebingen Variant Classification Criteria Version 2. Collection method: clinical testing. Allele origin: germline. Affected: yes. Observed: 2 variant alleles.
Comment: COL18A1: BP4, BP7

Blueprint Genetics
Classification: Likely benign. Last evaluated: 2024-09-26. Review status: criteria provided, single submitter. Criteria: ACMG Guidelines, 2015. Collection method: clinical testing. Allele origin: germline.

Clinical Genetics DNA and cytogenetics Diagnostics Lab, Erasmus MC, Erasmus Medical Center
Classification: Likely benign. Review status: no assertion criteria provided. Collection method: clinical testing. Allele origin: germline. Affected: yes. Study: VKGL Data-share Consensus. Not counted in ClinVar's aggregate classification.

Clinical Genetics, Academic Medical Center
Classification: Likely benign. Review status: no assertion criteria provided. Collection method: clinical testing. Allele origin: germline. Affected: yes. Study: VKGL Data-share Consensus. Not counted in ClinVar's aggregate classification.